The following is an entry in ClinVar:

ClinVar aggregate classification (germline): Uncertain significance. Review status: criteria provided, multiple submitters, no conflicts (2 of 4 stars). 2 submissions from 2 submitters: Uncertain significance (2). Last evaluated 2025-04-02.

Conditions:
Inborn genetic diseases. Identifiers: MedGen C0950123, MeSH D030342.
Aortic valve disease 2 (AOVD2). Identifiers: MedGen C3542024, MONDO:0013902, OMIM 614823.

Allele frequency attached by ClinVar (database versions not stated): ExAC 0.00001; gnomAD exomes 0.00001; TOPMed 0.00002; gnomAD 0.00003 and 0.00004; ESP Exome Variant Server 0.00008.
gnomAD v4.1: 11 of 1,599,754 alleles (0.00069%); highest among the groups gnomAD compares: African/African-American, 0.0054%; no homozygotes.

Submissions (2):

Ambry Genetics
Classification: Uncertain significance for Inborn genetic diseases. Last evaluated: 2025-04-02. Review status: criteria provided, single submitter. Criteria: Ambry Variant Classification Scheme 2023. Collection method: clinical testing. Allele origin: germline.

Labcorp Genetics (formerly Invitae), Labcorp
Classification: Uncertain significance for Aortic valve disease 2. Last evaluated: 2019-06-17. Review status: criteria provided, single submitter. Criteria: Invitae Variant Classification Sherloc (09022015). Collection method: clinical testing. Allele origin: germline.
Comment: In summary, the available evidence is currently insufficient to determine the role of this variant in disease. Therefore, it has been classified as a Variant of Uncertain Significance. Algorithms developed to predict the effect of missense changes on protein structure and function output the following: SIFT: "Tolerated"; PolyPhen-2: "Benign"; Align-GVGD: "Class C0". The isoleucine amino acid residue is found in multiple mammalian species, suggesting that this missense change does not adversely affect protein function. These predictions have not been confirmed by published functional studies and their clinical significance is uncertain. This variant has not been reported in the literature in individuals with SMAD6-related conditions. This variant is present in population databases (rs376580255, ExAC 0.002%). This sequence change replaces valine with isoleucine at codon 426 of the SMAD6 protein (p.Val426Ile). The valine residue is moderately conserved and there is a small physicochemical difference between valine and isoleucine.

NM_005585.5(SMAD6):c.1276G>A (p.Val426Ile)

Gene: SMAD6 (SMAD family member 6; plus strand). Cytogenetic location: 15q22.31.
Variant type: single nucleotide variant.
Coding change: c.1276G>A on transcript NM_005585.5 (MANE Select); coding-DNA position 1276, G replaced by A.
Protein change: p.Val426Ile; replaces valine 426 with isoleucine.
Molecular consequence: missense variant. On other transcripts: non-coding transcript variant (1).
Genome position (GRCh38, 1-based): chr15:66,781,320, G>A. VCF-style: chr15-66781320-G-A. GRCh37 (hg19) VCF-style: chr15-67073658-G-A.
Other names: short protein forms V426I.
Identifiers: ClinVar variation 945229 (VCV000945229.11), dbSNP rs376580255, ClinGen allele CA7626775.